The following is an entry in ClinVar:

ClinVar aggregate classification (germline): Likely benign (1 of 4 stars; one submission).

Submission:

GeneDx
Classification: Likely benign. Last evaluated: 2016-08-15. Review status: criteria provided, single submitter. Criteria: GeneDx Variant Classification (06012015). Collection method: clinical testing. Allele origin: germline. Affected: yes.
Comment: This variant is considered likely benign or benign based on one or more of the following criteria: it is a conservative change, it occurs at a poorly conserved position in the protein, it is predicted to be benign by multiple in silico algorithms, and/or has population frequency not consistent with disease.

NM_002294.3(LAMP2):c.398-4A>G

Gene: LAMP2 (lysosomal associated membrane protein 2; minus strand). Cytogenetic location: Xq24.
Variant type: single nucleotide variant.
Coding change: c.398-4A>G on transcript NM_002294.3 (MANE Select); 4 bases into the intron before coding-DNA position 398, A replaced by G.
Molecular consequence: intron variant.
Genome position (GRCh38, 1-based): chrX:120,449,132, T>C on the plus strand (A>G on the coding strand, the complement: LAMP2 is on the minus strand). VCF-style: chrX-120449132-T-C. GRCh37 (hg19) VCF-style: chrX-119582987-T-C.
Other names: c.398-4A>G (NM_001122606.1, NM_013995.2).
Identifiers: ClinVar variation 388257 (VCV000388257.1), dbSNP rs1057523043, ClinGen allele CA16608257.